The following is an entry in ClinVar:

ClinVar aggregate classification (germline): Uncertain significance (1 of 4 stars; one submission).

Conditions:
Neuroblastoma, susceptibility to, 3. Also called: ALK-Related Neuroblastic Tumor Susceptibility. Identifiers: Orphanet 635, MedGen C2751681, MONDO:0013083, OMIM 613014.

Allele frequency attached by ClinVar (database versions not stated): gnomAD exomes below 0.00001.
gnomAD v4.1: 1 of 1,611,106 alleles (0.000062%); highest among the groups gnomAD compares: Non-Finnish European, 0.000085%; no homozygotes.

Submission:

Labcorp Genetics (formerly Invitae), Labcorp
Classification: Uncertain significance for Neuroblastoma, susceptibility to, 3. Last evaluated: 2023-04-26. Review status: criteria provided, single submitter. Criteria: Invitae Variant Classification Sherloc (09022015). Collection method: clinical testing. Allele origin: germline.
Comment: In summary, the available evidence is currently insufficient to determine the role of this variant in disease. Therefore, it has been classified as a Variant of Uncertain Significance. An algorithm developed to predict the effect of missense changes on protein structure and function (PolyPhen-2) suggests that this variant is likely to be tolerated. This variant has not been reported in the literature in individuals affected with ALK-related conditions. This variant is not present in population databases (gnomAD no frequency). This sequence change replaces threonine, which is neutral and polar, with isoleucine, which is neutral and non-polar, at codon 901 of the ALK protein (p.Thr901Ile).

NM_004304.5(ALK):c.2702C>T (p.Thr901Ile)

Gene: ALK (ALK receptor tyrosine kinase; minus strand). Cytogenetic location: 2p23.2.
Variant type: single nucleotide variant.
Coding change: c.2702C>T on transcript NM_004304.5 (MANE Select); coding-DNA position 2702, C replaced by T.
Protein change: p.Thr901Ile; replaces threonine 901 with isoleucine.
Molecular consequence: missense variant.
Genome position (GRCh38, 1-based): chr2:29,228,997, G>A on the plus strand (C>T on the coding strand, the complement: ALK is on the minus strand). VCF-style: chr2-29228997-G-A. GRCh37 (hg19) VCF-style: chr2-29451863-G-A.
Other names: short protein forms T901I.
Identifiers: ClinVar variation 2859379 (VCV002859379.3), dbSNP rs2148180632, ClinGen allele CA346469906.
Genomic context (GRCh38, chr2:29,228,997, plus strand): 5'-AAACCCCCTCTTGTCTCCCACCCCCACTTCTTCATGGCCTGGGGGCAGGAATGTCCTCCG[G>A]TGGCACCCTCCTGCAAAGATTTTCCGGCCCAGAGCAAGGAAGTGTTATCATTCCAGCCAC-3'
Protein context (NP_004295.2, residues 891-911): WAGKSLQEGA[Thr901Ile]GGHSCPQAMK